The following is an entry in ClinVar:

NM_001267550.2(TTN):c.100019A>G (p.Gln33340Arg)

Genes: TTN (titin; minus strand), TTN-AS1 (TTN antisense RNA 1; plus strand), LOC126806420 (BRD4-independent group 4 enhancer GRCh37_chr2:179401104-179402303; plus strand). Cytogenetic location: 2q31.2.
Variant type: single nucleotide variant.
Coding change: c.100019A>G on transcript NM_001267550.2 (MANE Select); coding-DNA position 100019, A replaced by G.
Protein change: p.Gln33340Arg; replaces glutamine 33340 with arginine.
Molecular consequence: missense variant.
Genome position (GRCh38, 1-based): chr2:178,537,090, T>C on the plus strand (A>G on the coding strand, the complement: TTN is on the minus strand). VCF-style: chr2-178537090-T-C. GRCh37 (hg19) VCF-style: chr2-179401817-T-C.
Other names: c.95096A>G, p.Gln31699Arg (NM_001256850.1); c.72824A>G, p.Gln24275Arg (NM_003319.4); c.92315A>G, p.Gln30772Arg (NM_133378.4); c.73199A>G, p.Gln24400Arg (NM_133432.3); c.73400A>G, p.Gln24467Arg (NM_133437.4); short protein forms Q31699R, Q30772R, Q24400R, Q33340R, Q24275R, Q24467R.
Identifiers: ClinVar variation 1758073 (VCV001758073.2), dbSNP rs1691940311, ClinGen allele CA349426938.

ClinVar aggregate classification (germline): Uncertain significance (1 of 4 stars; one submission).

Conditions:
Cardiovascular phenotype. Identifiers: MedGen CN230736.

Submission:

Ambry Genetics
Classification: Uncertain significance for Cardiovascular phenotype. Last evaluated: 2019-03-01. Review status: criteria provided, single submitter. Criteria: Ambry Variant Classification Scheme 2023. Collection method: clinical testing. Allele origin: germline.
Comment: The p.Q24275R variant (also known as c.72824A>G), located in coding exon 183 of the TTN gene, results from an A to G substitution at nucleotide position 72824. The glutamine at codon 24275 is replaced by arginine, an amino acid with highly similar properties. This amino acid position is not well conserved in available vertebrate species. In addition, this alteration is predicted to be tolerated by in silico analysis. Since supporting evidence is limited at this time, the clinical significance of this alteration remains unclear.